The following is an entry in ClinVar:

ClinVar aggregate classification (germline): Uncertain significance. Review status: criteria provided, multiple submitters, no conflicts (2 of 4 stars). 2 submissions from 2 submitters: Uncertain significance (2). Last evaluated 2025-06-15.

Conditions:
Hereditary cancer-predisposing syndrome. Also called: Tumor predisposition; Hereditary neoplastic syndrome; Neoplastic Syndromes, Hereditary; Hereditary Cancer Syndrome. Identifiers: Orphanet 140162, MedGen C0027672, MeSH D009386, MONDO:0015356.
Mitochondrial complex II deficiency, nuclear type 1. Also called: SUCCINATE CoQ REDUCTASE DEFICIENCY. Identifiers: Orphanet 3208, MedGen C5700310, MONDO:0100294, OMIM 252011.
Pheochromocytoma/paraganglioma syndrome 5. Also called: Paragangliomas 5; SDHA-Related Hereditary Paraganglioma-Pheochromocytoma Syndrome. Identifiers: Orphanet 29072, MedGen C3279992, MONDO:0013602, OMIM 614165.

Submissions (2):

Labcorp Genetics (formerly Invitae), Labcorp
Classification: Uncertain significance for Pheochromocytoma/paraganglioma syndrome 5; Mitochondrial complex II deficiency, nuclear type 1. Last evaluated: 2025-06-15. Review status: criteria provided, single submitter. Criteria: Invitae Variant Classification Sherloc (09022015). Collection method: clinical testing. Allele origin: germline.
Comment: This sequence change replaces threonine, which is neutral and polar, with isoleucine, which is neutral and non-polar, at codon 565 of the SDHA protein (p.Thr565Ile). This variant is not present in population databases (gnomAD no frequency). This variant has not been reported in the literature in individuals affected with SDHA-related conditions. ClinVar contains an entry for this variant (Variation ID: 1019466). Invitae Evidence Modeling of protein sequence and biophysical properties (such as structural, functional, and spatial information, amino acid conservation, physicochemical variation, residue mobility, and thermodynamic stability) has been performed for this missense variant. However, the output from this modeling did not meet the statistical confidence thresholds required to predict the impact of this variant on SDHA protein function. In summary, the available evidence is currently insufficient to determine the role of this variant in disease. Therefore, it has been classified as a Variant of Uncertain Significance.

Ambry Genetics
Classification: Uncertain significance for Hereditary cancer-predisposing syndrome. Last evaluated: 2023-06-24. Review status: criteria provided, single submitter. Criteria: Ambry Variant Classification Scheme 2023. Collection method: clinical testing. Allele origin: germline.
Comment: The p.T565I variant (also known as c.1694C>T), located in coding exon 13 of the SDHA gene, results from a C to T substitution at nucleotide position 1694. The threonine at codon 565 is replaced by isoleucine, an amino acid with similar properties. This amino acid position is conserved. In addition, the in silico prediction for this alteration is inconclusive. Since supporting evidence is limited at this time, the clinical significance of this alteration remains unclear.

NM_004168.4(SDHA):c.1694C>T (p.Thr565Ile)

Gene: SDHA (succinate dehydrogenase complex flavoprotein subunit A; plus strand). Cytogenetic location: 5p15.33.
Variant type: single nucleotide variant.
Coding change: c.1694C>T on transcript NM_004168.4 (MANE Select); coding-DNA position 1694, C replaced by T.
Protein change: p.Thr565Ile; replaces threonine 565 with isoleucine.
Molecular consequence: missense variant. On other transcripts: intron variant (1).
Genome position (GRCh38, 1-based): chr5:251,368, C>T. VCF-style: chr5-251368-C-T. GRCh37 (hg19) VCF-style: chr5-251483-C-T.
Other names: c.1694C>T (NM_004168.2); c.1550C>T, p.Thr517Ile (NM_001294332.2); c.1552-3025C>T (NM_001330758.2); short protein forms T517I, T565I.
Identifiers: ClinVar variation 1019466 (VCV001019466.11), dbSNP rs757176672, ClinGen allele CA358999982.